The following is an entry in ClinVar:

ClinVar aggregate classification (germline): Uncertain significance (1 of 4 stars; one submission).

Submission:

GeneDx
Classification: Uncertain significance. Last evaluated: 2025-02-28. Review status: criteria provided, single submitter. Criteria: GeneDx Variant Classification Process June 2021. Collection method: clinical testing. Allele origin: germline. Affected: yes.
Comment: Not observed at significant frequency in large population cohorts (gnomAD); In silico analysis indicates that this missense variant does not alter protein structure/function; Has not been previously published as pathogenic or benign to our knowledge

NM_182931.3(KMT2E):c.1511C>A (p.Thr504Lys)

Gene: KMT2E (lysine methyltransferase 2E (inactive); plus strand). Cytogenetic location: 7q22.3.
Variant type: single nucleotide variant.
Coding change: c.1511C>A on transcript NM_182931.3 (MANE Select); coding-DNA position 1511, C replaced by A.
Protein change: p.Thr504Lys; replaces threonine 504 with lysine.
Molecular consequence: missense variant.
Genome position (GRCh38, 1-based): chr7:105,090,161, C>A. VCF-style: chr7-105090161-C-A. GRCh37 (hg19) VCF-style: chr7-104730608-C-A.
Other names: c.1511C>A, p.Thr504Lys (NM_001410908.1, NM_018682.4); short protein forms T504K.
Identifiers: ClinVar variation 4077343 (VCV004077343.1).